The following is an entry in ClinVar:

NM_032043.3(BRIP1):c.653G>T (p.Cys218Phe)

Gene: BRIP1 (BRCA1 interacting DNA helicase 1; minus strand). Cytogenetic location: 17q23.2.
Variant type: single nucleotide variant.
Coding change: c.653G>T on transcript NM_032043.3 (MANE Select); coding-DNA position 653, G replaced by T.
Protein change: p.Cys218Phe; replaces cysteine 218 with phenylalanine.
Molecular consequence: missense variant.
Genome position (GRCh38, 1-based): chr17:61,808,732, C>A on the plus strand (G>T on the coding strand, the complement: BRIP1 is on the minus strand). VCF-style: chr17-61808732-C-A. GRCh37 (hg19) VCF-style: chr17-59886093-C-A.
Other names: short protein forms C218F.
Identifiers: ClinVar variation 2775004 (VCV002775004.6), dbSNP rs754242563, ClinGen allele CA400485199.
Genomic context (GRCh38, chr17:61,808,732, plus strand): 5'-GTATGATCCTTCTTAATGGTATTCGATGACTCTTGACTGTTTCCTTGTTTAGTAGAACAA[C>A]AGCACCTAGAACAGTGGCCAGGGGGCTGTAAGAAAGGAAAGAAACGATAACTAATATCTA-3'
Protein context (NP_114432.2, residues 208-228): QKPPGHCSRC[Cys218Phe]CSTKQGNSQE

ClinVar aggregate classification (germline): Uncertain significance. Review status: criteria provided, multiple submitters, no conflicts (2 of 4 stars). 3 submissions from 3 submitters: Uncertain significance (3). Last evaluated 2024-05-03.

Conditions:
Fanconi anemia complementation group J. Also called: BRIP1-Related Fanconi Anemia. Identifiers: Orphanet 84, MedGen C1836860, MONDO:0012187, OMIM 609054.
Familial cancer of breast. Also called: Hereditary breast cancer; hereditary breast carcinoma; BREAST CANCER, FAMILIAL. Identifiers: Orphanet 227535, MedGen C0346153, MONDO:0016419, OMIM 114480. Disease mechanism: loss of function.
Hereditary cancer-predisposing syndrome. Also called: Hereditary Cancer Syndrome; Hereditary neoplastic syndrome; Tumor predisposition; Neoplastic Syndromes, Hereditary. Identifiers: Orphanet 140162, MedGen C0027672, MeSH D009386, MONDO:0015356.

gnomAD v4.1: 10 of 1,613,480 alleles (0.00062%); highest among the groups gnomAD compares: Non-Finnish European, 0.00085%; no homozygotes.

Submissions (3):

Ambry Genetics
Classification: Uncertain significance for Hereditary cancer-predisposing syndrome. Last evaluated: 2024-05-03. Review status: criteria provided, single submitter. Criteria: Ambry Variant Classification Scheme 2023. Collection method: clinical testing. Allele origin: germline.
Comment: The p.C218F variant (also known as c.653G>T), located in coding exon 6 of the BRIP1 gene, results from a G to T substitution at nucleotide position 653. The cysteine at codon 218 is replaced by phenylalanine, an amino acid with highly dissimilar properties. This amino acid position is not well conserved in available vertebrate species. In addition, this alteration is predicted to be tolerated by in silico analysis. Based on the available evidence, the clinical significance of this variant remains unclear.

Labcorp Genetics (formerly Invitae), Labcorp
Classification: Uncertain significance for Familial cancer of breast; Fanconi anemia complementation group J. Last evaluated: 2023-06-20. Review status: criteria provided, single submitter. Criteria: Invitae Variant Classification Sherloc (09022015). Collection method: clinical testing. Allele origin: germline.
Comment: In summary, the available evidence is currently insufficient to determine the role of this variant in disease. Therefore, it has been classified as a Variant of Uncertain Significance. Advanced modeling of protein sequence and biophysical properties (such as structural, functional, and spatial information, amino acid conservation, physicochemical variation, residue mobility, and thermodynamic stability) performed at Invitae indicates that this missense variant is not expected to disrupt BRIP1 protein function. This variant has not been reported in the literature in individuals affected with BRIP1-related conditions. This variant is not present in population databases (gnomAD no frequency). This sequence change replaces cysteine, which is neutral and slightly polar, with phenylalanine, which is neutral and non-polar, at codon 218 of the BRIP1 protein (p.Cys218Phe).

Color Diagnostics, LLC DBA Color Health
Classification: Uncertain significance for Hereditary cancer-predisposing syndrome. Last evaluated: 2022-06-06. Review status: criteria provided, single submitter. Criteria: ACMG Guidelines, 2015. Collection method: clinical testing. Allele origin: germline.
Comment: This missense variant replaces cysteine with phenylalanine at codon 218 of the BRIP1 protein. Computational prediction suggests that this variant may not impact protein structure and function (internally defined REVEL score threshold <= 0.5, PMID: 27666373). To our knowledge, functional studies have not been reported for this variant. This variant has not been reported in individuals affected with hereditary cancer in the literature. This variant has not been identified in the general population by the Genome Aggregation Database (gnomAD). The available evidence is insufficient to determine the role of this variant in disease conclusively. Therefore, this variant is classified as a Variant of Uncertain Significance.